The following is an entry in ClinVar:

ClinVar aggregate classification (germline): Uncertain significance (1 of 4 stars; one submission).

Conditions:
Inborn genetic diseases. Identifiers: MedGen C0950123, MeSH D030342.

Submission:

Ambry Genetics
Classification: Uncertain significance for Inborn genetic diseases. Last evaluated: 2023-12-17. Review status: criteria provided, single submitter. Criteria: Ambry Variant Classification Scheme 2023. Collection method: clinical testing. Allele origin: germline.
Comment: The p.E153D variant (also known as c.459A>T), located in coding exon 5 of the MDH2 gene, results from an A to T substitution at nucleotide position 459. The glutamic acid at codon 153 is replaced by aspartic acid, an amino acid with highly similar properties. This amino acid position is conserved. In addition, the in silico prediction for this alteration is inconclusive. Since supporting evidence is limited at this time, the clinical significance of this alteration remains unclear.

NM_005918.4(MDH2):c.459A>T (p.Glu153Asp)

Gene: MDH2 (malate dehydrogenase 2; plus strand). Cytogenetic location: 7q11.23.
Variant type: single nucleotide variant.
Coding change: c.459A>T on transcript NM_005918.4 (MANE Select); coding-DNA position 459, A replaced by T.
Protein change: p.Glu153Asp; replaces glutamic acid 153 with aspartic acid.
Molecular consequence: missense variant. On other transcripts: intron variant (1).
Genome position (GRCh38, 1-based): chr7:76,060,402, A>T. VCF-style: chr7-76060402-A-T. GRCh37 (hg19) VCF-style: chr7-75689720-A-T.
Other names: c.138A>T, p.Glu46Asp (NM_001282404.2); c.429+2324A>T (NM_001282403.2); short protein forms E153D, E46D.
Identifiers: ClinVar variation 3225195 (VCV003225195.1), dbSNP rs1214359813, ClinGen allele CA367764818.